The following is an entry in ClinVar:

ClinVar aggregate classification (germline): Uncertain significance (1 of 4 stars; one submission).

Submission:

Labcorp Genetics (formerly Invitae), Labcorp
Classification: Uncertain significance. Last evaluated: 2024-11-27. Review status: criteria provided, single submitter. Criteria: Invitae Variant Classification Sherloc (09022015). Collection method: clinical testing. Allele origin: germline.
Comment: This sequence change replaces serine, which is neutral and polar, with isoleucine, which is neutral and non-polar, at codon 317 of the SIM1 protein (p.Ser317Ile). This variant is not present in population databases (gnomAD no frequency). This variant has not been reported in the literature in individuals affected with SIM1-related conditions. An algorithm developed to predict the effect of missense changes on protein structure and function (PolyPhen-2) suggests that this variant is likely to be disruptive. In summary, the available evidence is currently insufficient to determine the role of this variant in disease. Therefore, it has been classified as a Variant of Uncertain Significance.

NM_005068.3(SIM1):c.950G>T (p.Ser317Ile)

Gene: SIM1 (SIM bHLH transcription factor 1; minus strand). Cytogenetic location: 6q16.3.
Variant type: single nucleotide variant.
Coding change: c.950G>T on transcript NM_005068.3 (MANE Select); coding-DNA position 950, G replaced by T.
Protein change: p.Ser317Ile; replaces serine 317 with isoleucine.
Molecular consequence: missense variant.
Genome position (GRCh38, 1-based): chr6:100,447,316, C>A on the plus strand (G>T on the coding strand, the complement: SIM1 is on the minus strand). VCF-style: chr6-100447316-C-A. GRCh37 (hg19) VCF-style: chr6-100895192-C-A.
Other names: c.950G>T, p.Ser317Ile (NM_001374769.1); short protein forms S317I.
Identifiers: ClinVar variation 3723395 (VCV003723395.2).
Genomic context (GRCh38, chr6:100,447,316, plus strand): 5'-TCTTGCACTCACGTGAGGACATAGTTGACGCTGACGATACAGTGTGGCCTGGAGGAGCGA[C>A]TGTTGTGCACGATGGTCGCGTAGCTCTGCACCCATACCCAGCCGCCGTGTTTCGCCAGGA-3'
Protein context (NP_005059.2, residues 307-327): VQSYATIVHN[Ser317Ile]RSSRPHCIVS